The following is an entry in ClinVar:

NM_004991.4(MECOM):c.2412C>T (p.Asn804=)

Gene: MECOM (MDS1 and EVI1 complex locus; minus strand). Cytogenetic location: 3q26.2.
Variant type: single nucleotide variant.
Coding change: c.2412C>T on transcript NM_004991.4 (MANE Select); coding-DNA position 2412, C replaced by T.
Protein change: p.Asn804=; no amino-acid change (asparagine 804 retained).
Molecular consequence: synonymous variant.
Genome position (GRCh38, 1-based): chr3:169,115,460, G>A on the plus strand (C>T on the coding strand, the complement: MECOM is on the minus strand). VCF-style: chr3-169115460-G-A. GRCh37 (hg19) VCF-style: chr3-168833248-G-A.
Other names: c.1848C>T, p.Asn616= (NM_005241.4, NM_001105078.4, NM_001164000.2 and 4 more transcripts); c.2412C>T (NM_004991.3); c.2043C>T, p.Asn681= (NM_001105077.4); c.1851C>T, p.Asn617= (NM_001163999.2, NM_001366467.2, NM_001366468.2 and 1 more transcripts); c.2412C>T, p.Asn804= (NM_001366466.2); c.1440C>T, p.Asn480= (NM_001366473.2); c.876C>T, p.Asn292= (NM_001366474.2).
Identifiers: ClinVar variation 3038253 (VCV003038253.5), dbSNP rs140021434, ClinGen allele CA2696181.

ClinVar aggregate classification (germline): Likely benign. Review status: criteria provided, multiple submitters, no conflicts (2 of 4 stars). 3 submissions from 3 submitters: Likely benign (2). 1 of the submissions does not count toward it. Last evaluated 2025-04-18.

Conditions:
MECOM-related disorder. Also called: MECOM-related condition.
Inborn genetic diseases. Identifiers: MedGen C0950123, MeSH D030342.

Allele frequency attached by ClinVar (database versions not stated): TOPMed 0.00001; ExAC 0.00002; ESP Exome Variant Server 0.00008.
gnomAD v4.1: 10 of 1,614,110 alleles (0.00062%); highest among the groups gnomAD compares: South Asian, 0.0022%; no homozygotes.

Submissions (3):

Ambry Genetics
Classification: Likely benign for Inborn genetic diseases. Last evaluated: 2025-04-18. Review status: criteria provided, single submitter. Criteria: Ambry Variant Classification Scheme 2023. Collection method: clinical testing. Allele origin: germline.

Labcorp Genetics (formerly Invitae), Labcorp
Classification: Likely benign. Last evaluated: 2024-06-19. Review status: criteria provided, single submitter. Criteria: Invitae Variant Classification Sherloc (09022015). Collection method: clinical testing. Allele origin: germline.

PreventionGenetics, part of Exact Sciences
Classification: Likely benign for MECOM-related condition. Last evaluated: 2019-05-02. Review status: no assertion criteria provided. Collection method: clinical testing. Allele origin: germline. Not counted in ClinVar's aggregate classification.
Comment: This variant is classified as likely benign based on ACMG/AMP sequence variant interpretation guidelines (Richards et al. 2015 PMID: 25741868, with internal and published modifications).